The following is an entry in ClinVar:

ClinVar aggregate classification (germline): Uncertain significance. Review status: criteria provided, multiple submitters, no conflicts (2 of 4 stars). 2 submissions from 2 submitters: Uncertain significance (2). Last evaluated 2025-09-17.

gnomAD v4.1: 33 of 1,614,264 alleles (0.002%); highest among the groups gnomAD compares: Non-Finnish European, 0.0023%; no homozygotes.

Submissions (2):

Labcorp Genetics (formerly Invitae), Labcorp
Classification: Uncertain significance. Last evaluated: 2025-09-17. Review status: criteria provided, single submitter. Criteria: Invitae Variant Classification Sherloc (09022015). Collection method: clinical testing. Allele origin: germline.
Comment: This sequence change replaces valine, which is neutral and non-polar, with methionine, which is neutral and non-polar, at codon 2124 of the SNRNP200 protein (p.Val2124Met). This variant is present in population databases (rs377640627, gnomAD 0.004%). This variant has not been reported in the literature in individuals affected with SNRNP200-related conditions. Invitae Evidence Modeling of protein sequence and biophysical properties (such as structural, functional, and spatial information, amino acid conservation, physicochemical variation, residue mobility, and thermodynamic stability) indicates that this missense variant is not expected to disrupt SNRNP200 protein function with a negative predictive value of 95%. In summary, the available evidence is currently insufficient to determine the role of this variant in disease. Therefore, it has been classified as a Variant of Uncertain Significance.

Blueprint Genetics
Classification: Uncertain significance. Last evaluated: 2020-07-09. Review status: criteria provided, single submitter. Criteria: ACMG Guidelines, 2015. Collection method: clinical testing. Allele origin: germline.

NM_014014.5(SNRNP200):c.6370G>A (p.Val2124Met)

Gene: SNRNP200 (small nuclear ribonucleoprotein U5 subunit 200; minus strand). Cytogenetic location: 2q11.2.
Variant type: single nucleotide variant.
Coding change: c.6370G>A on transcript NM_014014.5 (MANE Select); coding-DNA position 6370, G replaced by A.
Protein change: p.Val2124Met; replaces valine 2124 with methionine.
Molecular consequence: missense variant.
Genome position (GRCh38, 1-based): chr2:96,275,053, C>T on the plus strand (G>A on the coding strand, the complement: SNRNP200 is on the minus strand). VCF-style: chr2-96275053-C-T. GRCh37 (hg19) VCF-style: chr2-96940791-C-T.
Other names: short protein forms V2124M.
Identifiers: ClinVar variation 4799595 (VCV004799595.2).
Genomic context (GRCh38, chr2:96,275,053, plus strand): 5'-AAAGTAAATGCCTCAGGACTCAATCTGAATCACTGTCTGTCTCAGCTTCTTTCACATCCA[C>T]GCTGAATTTGTACTCCTGGTCACATCCCATGTAAGCGTCACTCATGAAGTACAGAGTGTA-3'
Protein context (NP_054733.2, residues 2114-2134): MGCDQEYKFS[Val2124Met]DVKEAETDSD